The following is an entry in ClinVar:

ClinVar aggregate classification (germline): Conflicting classifications of pathogenicity. Review status: criteria provided, conflicting classifications (1 of 4 stars). 6 submissions from 6 submitters: Uncertain significance (3); Likely benign (3). Last evaluated 2026-02-17.

Conditions:
Senior-Loken syndrome 8 (SLSN8). Identifiers: Orphanet 3156, MedGen C4225376, MONDO:0014579, OMIM 616307.
Asphyxiating thoracic dystrophy 5 (SRTD5). Also called: SHORT-RIB THORACIC DYSPLASIA 5 WITH OR WITHOUT POLYDACTYLY; SHORT-RIB THORACIC DYSPLASIA 5 WITHOUT POLYDACTYLY. Identifiers: Orphanet 474, MedGen C3280598, MONDO:0013717, OMIM 614376.
Inborn genetic diseases. Identifiers: MedGen C0950123, MeSH D030342.
WDR19-related disorder. Also called: WDR19-related condition; WDR19-related disorders. Identifiers: MedGen CN380161.

Allele frequency attached by ClinVar (database versions not stated): gnomAD exomes 0.00008; ExAC 0.00032; ESP Exome Variant Server 0.00090; gnomAD 0.00090 and 0.00099; 1000 Genomes Project 30x 0.00094; 1000 Genomes Project 0.00100; TOPMed 0.00100.

Submissions (6):

PreventionGenetics, part of Exact Sciences
Classification: Likely benign for WDR19-related condition. Last evaluated: 2026-02-17. Review status: criteria provided, single submitter. Criteria: ACMG Guidelines, 2015. Collection method: clinical testing. Allele origin: germline.
Comment: This variant is classified as likely benign based on ACMG/AMP sequence variant interpretation guidelines (Richards et al. 2015 PMID: 25741868, with internal and published modifications).

Labcorp Genetics (formerly Invitae), Labcorp
Classification: Likely benign for Senior-Loken syndrome 8; Asphyxiating thoracic dystrophy 5. Last evaluated: 2026-01-24. Review status: criteria provided, single submitter. Criteria: Invitae Variant Classification Sherloc (09022015). Collection method: clinical testing. Allele origin: germline.

Blueprint Genetics
Classification: Likely benign. Last evaluated: 2024-09-05. Review status: criteria provided, single submitter. Criteria: ACMG Guidelines, 2015. Collection method: clinical testing. Allele origin: germline.

Ambry Genetics
Classification: Uncertain significance for Inborn genetic diseases. Last evaluated: 2022-09-14. Review status: criteria provided, single submitter. Criteria: Ambry Variant Classification Scheme 2023. Collection method: clinical testing. Allele origin: germline.

ARUP Laboratories, Molecular Genetics and Genomics, ARUP Laboratories
Classification: Uncertain significance. Last evaluated: 2018-05-18. Review status: criteria provided, single submitter. Criteria: ARUP Molecular Germline Variant Investigation Process. Collection method: clinical testing. Allele origin: germline.
Comment: The WDR19 c.2365G>A; p.Gly789Ser variant (rs199904529), to our knowledge, is not described in the medical literature but is reported as a variant of uncertain significance in ClinVar (Variation ID: 286677) and observed in the African population at an overall frequency of 0.26% (29/11240 alleles) in the Genome Aggregation Database. The glycine at codon 789 is highly conserved, and computational algorithms (PolyPhen-2, SIFT) predict that this variant is deleterious. Due to the lack of clinical and functional data regarding this variant, its clinical significance cannot be determined with certainty. Pathogenic WDR19 variants are inherited in an autosomal recessive manner, and are associated with cranioectodermal dysplasia (MIM: 614378), short-rib thoracic dysplasia (MIM: 614376), nephronophthisis (MIM: 614377), and Senior-Loken syndrome (MIM: 616307).

Eurofins Ntd Llc (ga)
Classification: Uncertain significance. Last evaluated: 2016-03-22. Review status: criteria provided, single submitter. Criteria: EGL Classification Definitions 2015. Collection method: clinical testing. Allele origin: germline. Observed: 1 variant allele, 1 heterozygote.

NM_025132.4(WDR19):c.2365G>A (p.Gly789Ser)

Gene: WDR19 (WD repeat domain 19; plus strand). Cytogenetic location: 4p14.
Variant type: single nucleotide variant.
Coding change: c.2365G>A on transcript NM_025132.4 (MANE Select); coding-DNA position 2365, G replaced by A.
Protein change: p.Gly789Ser; replaces glycine 789 with serine.
Molecular consequence: missense variant.
Genome position (GRCh38, 1-based): chr4:39,240,278, G>A. VCF-style: chr4-39240278-G-A. GRCh37 (hg19) VCF-style: chr4-39241898-G-A.
Other names: c.1885G>A, p.Gly629Ser (NM_001317924.2); short protein forms G789S, G629S.
Identifiers: ClinVar variation 286677 (VCV000286677.27), dbSNP rs199904529, ClinGen allele CA2892066.